The following is an entry in ClinVar:

ClinVar aggregate classification (germline): Uncertain significance (1 of 4 stars; one submission).

Conditions:
Dilated cardiomyopathy 1HH (CMD1HH). Identifiers: Orphanet 154, MedGen C3151293, MONDO:0013479, OMIM 613881.
Myofibrillar myopathy 6. Identifiers: Orphanet 199340, MedGen C2751831, MONDO:0013061, OMIM 612954.

Allele frequency attached by ClinVar (database versions not stated): gnomAD exomes below 0.00001; TOPMed below 0.00001; ExAC 0.00001.
gnomAD v4.1: 2 of 1,613,796 alleles (0.00012%); highest among the groups gnomAD compares: African/African-American, 0.0013%; no homozygotes.

Submission:

Labcorp Genetics (formerly Invitae), Labcorp
Classification: Uncertain significance for Dilated cardiomyopathy 1HH; Myofibrillar myopathy 6. Last evaluated: 2024-01-03. Review status: criteria provided, single submitter. Criteria: Invitae Variant Classification Sherloc (09022015). Collection method: clinical testing. Allele origin: germline.
Comment: This sequence change replaces cysteine, which is neutral and slightly polar, with tyrosine, which is neutral and polar, at codon 179 of the BAG3 protein (p.Cys179Tyr). This variant is present in population databases (rs762317370, gnomAD 0.007%). This variant has not been reported in the literature in individuals affected with BAG3-related conditions. An algorithm developed to predict the effect of missense changes on protein structure and function (PolyPhen-2) suggests that this variant is likely to be disruptive. In summary, the available evidence is currently insufficient to determine the role of this variant in disease. Therefore, it has been classified as a Variant of Uncertain Significance.

NM_004281.4(BAG3):c.536G>A (p.Cys179Tyr)

Gene: BAG3 (BAG cochaperone 3; plus strand). Cytogenetic location: 10q26.11.
Variant type: single nucleotide variant.
Coding change: c.536G>A on transcript NM_004281.4 (MANE Select); coding-DNA position 536, G replaced by A.
Protein change: p.Cys179Tyr; replaces cysteine 179 with tyrosine.
Molecular consequence: missense variant.
Genome position (GRCh38, 1-based): chr10:119,672,283, G>A. VCF-style: chr10-119672283-G-A. GRCh37 (hg19) VCF-style: chr10-121431795-G-A.
Other names: short protein forms C179Y.
Identifiers: ClinVar variation 2940254 (VCV002940254.3), dbSNP rs762317370, ClinGen allele CA5716363.